The following is an entry in ClinVar:

NM_001291867.2(NHS):c.949A>G (p.Met317Val)

Gene: NHS (NHS actin remodeling regulator; plus strand). Cytogenetic location: Xp22.13.
Variant type: single nucleotide variant.
Coding change: c.949A>G on transcript NM_001291867.2 (MANE Select); coding-DNA position 949, A replaced by G.
Protein change: p.Met317Val; replaces methionine 317 with valine.
Molecular consequence: missense variant.
Genome position (GRCh38, 1-based): chrX:17,721,474, A>G. VCF-style: chrX-17721474-A-G. GRCh37 (hg19) VCF-style: chrX-17739594-A-G.
Other names: c.418A>G, p.Met140Val (NM_001136024.4); c.355A>G, p.Met119Val (NM_001291868.2); c.886A>G, p.Met296Val (NM_198270.4); short protein forms M296V, M140V, M317V, M119V.
Identifiers: ClinVar variation 393222 (VCV000393222.3), dbSNP rs770613962, ClinGen allele CA10358560.

ClinVar aggregate classification (germline): Uncertain significance (1 of 4 stars; one submission).

Allele frequency attached by ClinVar (database versions not stated): gnomAD exomes 0.00001; ExAC 0.00001.

Submission:

GeneDx
Classification: Uncertain significance. Last evaluated: 2020-01-30. Review status: criteria provided, single submitter. Criteria: GeneDx Variant Classification Process June 2021. Collection method: clinical testing. Allele origin: germline. Affected: yes.
Comment: In silico analysis, which includes protein predictors and evolutionary conservation, supports that this variant does not alter protein structure/function; Has not been previously published as pathogenic or benign to our knowledge